The following is an entry in ClinVar:

NM_152753.4(SCUBE3):c.1126C>T (p.Pro376Ser)

Gene: SCUBE3 (signal peptide, CUB domain and EGF like domain containing 3; plus strand). Cytogenetic location: 6p21.31.
Variant type: single nucleotide variant.
Coding change: c.1126C>T on transcript NM_152753.4 (MANE Select); coding-DNA position 1126, C replaced by T.
Protein change: p.Pro376Ser; replaces proline 376 with serine.
Molecular consequence: missense variant.
Genome position (GRCh38, 1-based): chr6:35,241,197, C>T. VCF-style: chr6-35241197-C-T. GRCh37 (hg19) VCF-style: chr6-35208974-C-T.
Other names: c.1123C>T, p.Pro375Ser (NM_001303136.2); short protein forms P375S, P376S.
Identifiers: ClinVar variation 5007044 (VCV005007044.2).

ClinVar aggregate classification (germline): Uncertain significance (1 of 4 stars; one submission).

Conditions:
Short stature, facial dysmorphism, and skeletal anomalies with or without cardiac anomalies 2. Identifiers: MedGen C5543057, MONDO:0030953, OMIM 619184.

gnomAD v4.1: 162 of 1,606,758 alleles (0.01%); highest among the groups gnomAD compares: East Asian, 0.24%; no homozygotes.

Submission:

Juno Genomics, Hangzhou Juno Genomics, Inc
Classification: Uncertain significance for Short stature, facial dysmorphism, and skeletal anomalies with or without cardiac anomalies 2. Review status: criteria provided, single submitter. Criteria: ACMG Guidelines, 2015. Collection method: clinical testing. Allele origin: germline.
Comment: Absent from controls (or at extremely low frequency if recessive) in Genome Aggregation Database.;Missense variant in a gene that has a low rate of benign missense variation.